The following is an entry in ClinVar:

NM_000548.5(TSC2):c.3486A>G (p.Pro1162=)

Gene: TSC2 (TSC complex subunit 2; plus strand). Cytogenetic location: 16p13.3.
Variant type: single nucleotide variant.
Coding change: c.3486A>G on transcript NM_000548.5 (MANE Select); coding-DNA position 3486, A replaced by G.
Protein change: p.Pro1162=; no amino-acid change (proline 1162 retained).
Molecular consequence: synonymous variant.
Genome position (GRCh38, 1-based): chr16:2,080,253, A>G. VCF-style: chr16-2080253-A-G. GRCh37 (hg19) VCF-style: chr16-2130254-A-G.
Other names: c.3354A>G, p.Pro1118= (NM_001077183.3, NM_001370404.1); c.3486A>G, p.Pro1162= (NM_001114382.3); c.3246A>G, p.Pro1082= (NM_001318827.2); c.3210A>G, p.Pro1070= (NM_001318829.2); c.2754A>G, p.Pro918= (NM_001318831.2); c.3387A>G, p.Pro1129= (NM_001318832.2); c.3357A>G, p.Pro1119= (NM_001363528.2, NM_001370405.1, NM_021055.3); c.3486A>G (NM_000548.3).
Identifiers: ClinVar variation 1611550 (VCV001611550.11), dbSNP rs1277144134, ClinGen allele CA493042945.
Genomic context (GRCh38, chr16:2,080,253, plus strand): 5'-GGACGTGCCGGCCTCCCAGTTCCTGGGCAGTGCCACTTCTCCAGGACCACGGACTGCACC[A>G]GCCGCGAAACCTGAGAAGGCCTCAGCTGGCACCCGGGTTCCTGTGCAGGAGAAGACGAAC-3'
Protein context (NP_000539.2, residues 1152-1172): SATSPGPRTA[Pro1162=]AAKPEKASAG

ClinVar aggregate classification (germline): Benign/Likely benign. Review status: criteria provided, multiple submitters, no conflicts (2 of 4 stars). 4 submissions from 4 submitters: Benign (1); Likely benign (3). Last evaluated 2026-02-15.

Conditions:
Tuberous sclerosis 2 (TSC2). Identifiers: Orphanet 805, MedGen C1860707, MONDO:0013199, OMIM 613254.
Hereditary cancer-predisposing syndrome. Also called: Tumor predisposition; Neoplastic Syndromes, Hereditary; Hereditary neoplastic syndrome; Hereditary Cancer Syndrome. Identifiers: Orphanet 140162, MedGen C0027672, MeSH D009386, MONDO:0015356.

Allele frequency attached by ClinVar (database versions not stated): gnomAD exomes below 0.00001 and 0.00001; gnomAD 0.00001.
gnomAD v4.1: 3 of 1,612,892 alleles (0.00019%); highest among the groups gnomAD compares: East Asian, 0.0067%; no homozygotes.

Submissions (4):

Ambry Genetics
Classification: Likely benign for Hereditary cancer-predisposing syndrome. Last evaluated: 2026-02-15. Review status: criteria provided, single submitter. Criteria: Ambry Variant Classification Scheme 2023. Collection method: clinical testing. Allele origin: germline.

Myriad Genetics, Inc.
Classification: Benign for Tuberous sclerosis 2. Last evaluated: 2025-05-29. Review status: criteria provided, single submitter. Criteria: Myriad Autosomal Dominant, Autosomal Recessive and X-Linked Classification Criteria (2023). Collection method: clinical testing. Allele origin: unknown.
Comment: This variant is considered benign. This variant is a silent/synonymous amino acid change and it is not expected to impact splicing.

Blueprint Genetics
Classification: Likely benign. Last evaluated: 2024-08-16. Review status: criteria provided, single submitter. Criteria: ACMG Guidelines, 2015. Collection method: clinical testing. Allele origin: germline.

Labcorp Genetics (formerly Invitae), Labcorp
Classification: Likely benign for Tuberous sclerosis 2. Last evaluated: 2020-12-31. Review status: criteria provided, single submitter. Criteria: Invitae Variant Classification Sherloc (09022015). Collection method: clinical testing. Allele origin: germline.